The following is an entry in ClinVar:

ClinVar aggregate classification (germline): Pathogenic (1 of 4 stars; one submission).

Allele frequency attached by ClinVar (database versions not stated): gnomAD exomes below 0.00001.

Submission:

Labcorp Genetics (formerly Invitae), Labcorp
Classification: Pathogenic. Last evaluated: 2025-04-24. Review status: criteria provided, single submitter. Criteria: Invitae Variant Classification Sherloc (09022015). Collection method: clinical testing. Allele origin: germline.
Comment: This sequence change creates a premature translational stop signal (p.Ile1274Alafs*25) in the LRP5 gene. It is expected to result in an absent or disrupted protein product. Loss-of-function variants in LRP5 are known to be pathogenic (PMID: 11719191, 16252235, 25711638). This variant is present in population databases (no rsID available, gnomAD 0.0009%). This variant has not been reported in the literature in individuals affected with LRP5-related conditions. ClinVar contains an entry for this variant (Variation ID: 1456639). For these reasons, this variant has been classified as Pathogenic.

Literature cited by the submitters: PubMed 11719191; PubMed 16252235; PubMed 25711638.

NM_002335.4(LRP5):c.3768_3819dup (p.Ile1274fs)

Gene: LRP5 (LDL receptor related protein 5; plus strand). Cytogenetic location: 11q13.2.
Variant type: Duplication.
Coding change: c.3768_3819dup on transcript NM_002335.4 (MANE Select); coding-DNA positions 3768 to 3819, 52 bases duplicated.
Protein change: p.Ile1274fs; shifts the reading frame from isoleucine 1274.
Molecular consequence: frameshift variant.
Genome position (GRCh38, 1-based): chr11:68,433,606-68,433,657, 52 bases duplicated. GRCh37 (hg19): chr11:68,201,074-68,201,125.
Other names: c.2025_2076dup, p.Ile693fs (NM_001291902.2); short protein forms I693fs, I1274fs.
Identifiers: ClinVar variation 1456639 (VCV001456639.6), dbSNP rs1565111276, ClinGen allele CA599954291.